The following is an entry in ClinVar:

NM_004186.5(SEMA3F):c.2013C>T (p.Ser671=)

Gene: SEMA3F (semaphorin 3F; plus strand). Cytogenetic location: 3p21.31.
Variant type: single nucleotide variant.
Coding change: c.2013C>T on transcript NM_004186.5 (MANE Select); coding-DNA position 2013, C replaced by T.
Protein change: p.Ser671=; no amino-acid change (serine 671 retained).
Molecular consequence: synonymous variant.
Genome position (GRCh38, 1-based): chr3:50,187,770, C>T. VCF-style: chr3-50187770-C-T. GRCh37 (hg19) VCF-style: chr3-50225203-C-T.
Other names: c.1716C>T, p.Ser572= (NM_001318798.2); c.1920C>T, p.Ser640= (NM_001318800.2).
Identifiers: ClinVar variation 3350651 (VCV003350651.1).

ClinVar aggregate classification (germline): Likely benign (0 of 4 stars; one submission).

Conditions:
SEMA3F-related disorder. Also called: SEMA3F-related condition.

gnomAD v4.1: 98 of 1,613,026 alleles (0.0061%); highest among the groups gnomAD compares: Non-Finnish European, 0.008%; no homozygotes.

Submission:

PreventionGenetics, part of Exact Sciences
Classification: Likely benign for SEMA3F-related condition. Last evaluated: 2023-04-03. Review status: no assertion criteria provided. Collection method: clinical testing. Allele origin: germline.
Comment: This variant is classified as likely benign based on ACMG/AMP sequence variant interpretation guidelines (Richards et al. 2015 PMID: 25741868, with internal and published modifications).